The following is an entry in ClinVar:

ClinVar aggregate classification (germline): Benign. Review status: criteria provided, multiple submitters, no conflicts (2 of 4 stars). 6 submissions from 6 submitters: Benign (4). 2 of the submissions do not count toward it. Last evaluated 2025-07-14.

Conditions:
Cone-rod dystrophy 13 (CORD13). Identifiers: Orphanet 1872, MedGen C2750720, MONDO:0011987, OMIM 608194.
Leber congenital amaurosis 6 (LCA6). Identifiers: Orphanet 65, MedGen C1854260, MONDO:0013446, OMIM 613826.

Submissions (6):

Labcorp Genetics (formerly Invitae), Labcorp
Classification: Benign for Leber congenital amaurosis 6; Cone-rod dystrophy 13. Last evaluated: 2025-07-14. Review status: criteria provided, single submitter. Criteria: Invitae Variant Classification Sherloc (09022015). Collection method: clinical testing. Allele origin: germline.

GeneDx
Classification: Benign. Last evaluated: 2018-06-28. Review status: criteria provided, single submitter. Criteria: GeneDx Variant Classification Process June 2021. Collection method: clinical testing. Allele origin: germline. Affected: yes.
Comment: This variant is associated with the following publications: (PMID: 18055820)

Eurofins Ntd Llc (ga)
Classification: Benign. Last evaluated: 2014-08-01. Review status: criteria provided, single submitter. Criteria: EGL Classification Definitions 2015. Collection method: clinical testing. Allele origin: germline. Observed: 2 variant alleles, 1 heterozygote, 1 homozygote.

PreventionGenetics, part of Exact Sciences
Classification: Benign. Review status: criteria provided, single submitter. Criteria: ACMG Guidelines, 2015. Collection method: clinical testing. Allele origin: germline.

Diagnostic Laboratory, Department of Genetics, University Medical Center Groningen
Classification: Benign. Review status: no assertion criteria provided. Collection method: clinical testing. Allele origin: germline. Affected: yes. Study: VKGL Data-share Consensus. Not counted in ClinVar's aggregate classification.

Genome Diagnostics Laboratory, University Medical Center Utrecht
Classification: Benign. Review status: no assertion criteria provided. Collection method: clinical testing. Allele origin: germline. Affected: yes. Study: VKGL Data-share Consensus. Not counted in ClinVar's aggregate classification.

NM_020366.4(RPGRIP1):c.907-25AAT[3]

Gene: RPGRIP1 (RPGR interacting protein 1; plus strand). Cytogenetic location: 14q11.2.
Variant type: Microsatellite.
Coding change: c.907-25AAT[3] on transcript NM_020366.4 (MANE Select); three copies in a row of the 3-base unit AAT starting at c.907-25; the reference has four copies in a row; one copy, 3 bases deleted.
Molecular consequence: intron variant.
Genome position (GRCh38, 1-based): chr14:21,310,568-21,310,570, AAT deleted; deleting any 3 consecutive bases within chr14:21,310,559-21,310,570 gives the same sequence; the position shown is the placement nearest the transcript's 3' end. VCF-style (leftmost placement, unchanged base first): chr14-21310558-AAAT-A. GRCh37 (hg19) VCF-style: chr14-21778717-AAAT-A.
Other names: c.907-16_907-14delAAT (NM_020366.3).
Identifiers: ClinVar variation 198579 (VCV000198579.20), dbSNP rs398099213, ClinGen allele CA203505.